The following is an entry in ClinVar:

ClinVar aggregate classification (germline): Likely benign. Review status: criteria provided, multiple submitters, no conflicts (2 of 4 stars). 2 submissions from 2 submitters: Likely benign (2). Last evaluated 2023-12-31.

Conditions:
Hereditary diffuse gastric adenocarcinoma (HDGC). Also called: DIFFUSE GASTRIC AND LOBULAR BREAST CANCER SYNDROME. Identifiers: Orphanet 26106, MedGen C1708349, MONDO:0007648, OMIM 137215.

Submissions (2):

Labcorp Genetics (formerly Invitae), Labcorp
Classification: Likely benign for Hereditary diffuse gastric adenocarcinoma. Last evaluated: 2023-12-31. Review status: criteria provided, single submitter. Criteria: Invitae Variant Classification Sherloc (09022015). Collection method: clinical testing. Allele origin: germline.

GeneDx
Classification: Likely benign. Last evaluated: 2017-03-23. Review status: criteria provided, single submitter. Criteria: GeneDx Variant Classification (06012015). Collection method: clinical testing. Allele origin: germline. Affected: yes.
Comment: This variant is considered likely benign or benign based on one or more of the following criteria: it is a conservative change, it occurs at a poorly conserved position in the protein, it is predicted to be benign by multiple in silico algorithms, and/or has population frequency not consistent with disease.

NM_004360.5(CDH1):c.163+18G>A

Gene: CDH1 (cadherin 1; plus strand). Cytogenetic location: 16q22.1.
Variant type: single nucleotide variant.
Coding change: c.163+18G>A on transcript NM_004360.5 (MANE Select); 18 bases into the intron after coding-DNA position 163, G replaced by A.
Molecular consequence: intron variant.
Genome position (GRCh38, 1-based): chr16:68,738,429, G>A. VCF-style: chr16-68738429-G-A. GRCh37 (hg19) VCF-style: chr16-68772332-G-A.
Other names: c.-1453+18G>A (NM_001317185.2); c.-1657+18G>A (NM_001317186.2); c.163+18G>A (NM_001317184.2, LRG_301t1).
Identifiers: ClinVar variation 508402 (VCV000508402.4), dbSNP rs1555509793, ClinGen allele CA658798619.